The following is an entry in ClinVar:

ClinVar aggregate classification (germline): Uncertain significance (1 of 4 stars; one submission).

Allele frequency attached by ClinVar (database versions not stated): TOPMed below 0.00001; gnomAD 0.00002; ExAC 0.00005; gnomAD exomes 0.00005; 1000 Genomes Project 30x 0.00016; 1000 Genomes Project 0.00020.
gnomAD v4.1: 70 of 1,614,176 alleles (0.0043%); highest among the groups gnomAD compares: East Asian, 0.16%; no homozygotes.

Submission:

Labcorp Genetics (formerly Invitae), Labcorp
Classification: Uncertain significance. Last evaluated: 2022-12-20. Review status: criteria provided, single submitter. Criteria: Invitae Variant Classification Sherloc (09022015). Collection method: clinical testing. Allele origin: germline.
Comment: Algorithms developed to predict the effect of missense changes on protein structure and function (SIFT, PolyPhen-2, Align-GVGD) all suggest that this variant is likely to be tolerated. In summary, the available evidence is currently insufficient to determine the role of this variant in disease. Therefore, it has been classified as a Variant of Uncertain Significance. This variant has not been reported in the literature in individuals affected with BNC2-related conditions. This variant is present in population databases (rs554243088, gnomAD 0.07%). This sequence change replaces aspartic acid, which is acidic and polar, with asparagine, which is neutral and polar, at codon 741 of the BNC2 protein (p.Asp741Asn).

NM_017637.6(BNC2):c.2221G>A (p.Asp741Asn)

Genes: BNC2 (basonuclin zinc finger protein 2; minus strand), LOC126860585 (MED14-independent group 3 enhancer GRCh37_chr9:16435259-16436458; plus strand). Cytogenetic location: 9p22.3.
Variant type: single nucleotide variant.
Coding change: c.2221G>A on transcript NM_017637.6 (MANE Select); coding-DNA position 2221, G replaced by A.
Protein change: p.Asp741Asn; replaces aspartic acid 741 with asparagine.
Molecular consequence: missense variant.
Genome position (GRCh38, 1-based): chr9:16,435,973, C>T on the plus strand (G>A on the coding strand, the complement: BNC2 is on the minus strand). VCF-style: chr9-16435973-C-T. GRCh37 (hg19) VCF-style: chr9-16435971-C-T.
Other names: c.2095G>A, p.Asp699Asn (NM_001317939.2); c.1936G>A, p.Asp646Asn (NM_001317940.2); short protein forms D699N, D741N, D646N.
Identifiers: ClinVar variation 2888266 (VCV002888266.3), dbSNP rs554243088, ClinGen allele CA4995940.